The following is an entry in ClinVar:

ClinVar aggregate classification (germline): Pathogenic/Likely pathogenic. Review status: criteria provided, multiple submitters, no conflicts (2 of 4 stars). 2 submissions from 2 submitters: Pathogenic (1); Likely pathogenic (1). Last evaluated 2025-07-10.

Conditions:
Marfan Syndrome/Loeys-Dietz Syndrome/Familial Thoracic Aortic Aneurysms and Dissections. Identifiers: MedGen CN229799.
Familial thoracic aortic aneurysm and aortic dissection (TAAD). Also called: Thoracic aortic aneurysms and dissections. Identifiers: Orphanet 91387, MedGen C4707243, MONDO:0019625.

Submissions (2):

Color Diagnostics, LLC DBA Color Health
Classification: Pathogenic for Familial thoracic aortic aneurysm and aortic dissection. Last evaluated: 2025-07-10. Review status: criteria provided, single submitter. Criteria: ACMG Guidelines, 2015. Collection method: clinical testing. Allele origin: germline.
Comment: This variant changes 1 nucleotide in exon 24 of the FBN1 gene, creating a premature translation stop signal. This variant is expected to result in an absent or non-functional protein product. To our knowledge, this variant has not been reported in individuals affected with FBN1-related disorders in the literature. This variant has not been identified in the general population by the Genome Aggregation Database (gnomAD). Loss of FBN1 function is a known mechanism of disease. Based on the available evidence, this variant is classified as Pathogenic.

Women's Health and Genetics/Laboratory Corporation of America, LabCorp
Classification: Likely pathogenic for Marfan Syndrome/Loeys-Dietz Syndrome/Familial Thoracic Aortic Aneurysms and Dissections. Last evaluated: 2022-11-14. Review status: criteria provided, single submitter. Criteria: LabCorp Variant Classification Summary - May 2015. Collection method: clinical testing. Allele origin: germline.
Comment: Variant summary: FBN1 c.2800A>T (p.Lys934X) results in a premature termination codon, predicted to cause a truncation of the encoded protein or absence of the protein due to nonsense mediated decay, which are commonly known mechanisms for disease. Truncations downstream of this position have been classified as pathogenic by our laboratory. The variant was absent in 251450 control chromosomes (gnomAD). To our knowledge, no occurrence of c.2800A>T in individuals affected with Marfan Syndrome or other FBN1-related disorders and no experimental evidence demonstrating its impact on protein function have been reported. No clinical diagnostic laboratories have submitted clinical-significance assessments for this variant to ClinVar after 2014. Based on the evidence outlined above, the variant was classified as likely pathogenic.

NM_000138.5(FBN1):c.2800A>T (p.Lys934Ter)

Gene: FBN1 (fibrillin 1; minus strand). Cytogenetic location: 15q21.1.
Variant type: single nucleotide variant.
Coding change: c.2800A>T on transcript NM_000138.5 (MANE Select); coding-DNA position 2800, A replaced by T.
Protein change: p.Lys934Ter; replaces lysine 934 with a stop codon.
Molecular consequence: nonsense.
Genome position (GRCh38, 1-based): chr15:48,492,515, T>A on the plus strand (A>T on the coding strand, the complement: FBN1 is on the minus strand). VCF-style: chr15-48492515-T-A. GRCh37 (hg19) VCF-style: chr15-48784712-T-A.
Other names: c.2800A>T, p.Lys934Ter (NM_001406716.1); short protein forms K934*.
Identifiers: ClinVar variation 1804650 (VCV001804650.2), dbSNP rs2505564466, ClinGen allele CA392330622.